The following is an entry in ClinVar:

ClinVar aggregate classification (germline): Benign/Likely benign. Review status: criteria provided, multiple submitters, no conflicts (2 of 4 stars). 3 submissions from 3 submitters: Benign (1); Likely benign (2). Last evaluated 2026-09-29.

Conditions:
Cardiovascular phenotype. Identifiers: MedGen CN230736.
Hereditary cancer-predisposing syndrome. Also called: Hereditary neoplastic syndrome; Neoplastic Syndromes, Hereditary; Tumor predisposition; Hereditary Cancer Syndrome. Identifiers: Orphanet 140162, MedGen C0027672, MeSH D009386, MONDO:0015356.
Neurofibromatosis, type 1 (NF1). Also called: VON RECKLINGHAUSEN DISEASE; Peripheral type neurofibromatosis; NEUROFIBROMATOSIS, TYPE I, SOMATIC; Neurofibromatosis, type I. Identifiers: Orphanet 636, MedGen C0027831, MONDO:0018975, OMIM 162200. Disease mechanism: loss of function.

Submissions (3):

Myriad Genetics, Inc.
Classification: Benign for Neurofibromatosis, type 1. Last evaluated: 2026-09-29. Review status: criteria provided, single submitter. Criteria: Myriad Autosomal Dominant, Autosomal Recessive and X-Linked Classification Criteria (2023). Collection method: clinical testing. Allele origin: unknown.
Comment: This variant is considered benign. This variant is a silent/synonymous amino acid change and it is not expected to impact splicing.

Labcorp Genetics (formerly Invitae), Labcorp
Classification: Likely benign for Neurofibromatosis, type 1. Last evaluated: 2023-07-28. Review status: criteria provided, single submitter. Criteria: Invitae Variant Classification Sherloc (09022015). Collection method: clinical testing. Allele origin: germline.

Ambry Genetics
Classification: Likely benign for Cardiovascular phenotype; Hereditary cancer-predisposing syndrome. Last evaluated: 2020-03-14. Review status: criteria provided, single submitter. Criteria: Ambry Variant Classification Scheme 2023. Collection method: clinical testing. Allele origin: germline.

NM_001042492.3(NF1):c.1482G>A (p.Leu494=)

Gene: NF1 (neurofibromin 1; plus strand). Cytogenetic location: 17q11.2.
Variant type: single nucleotide variant.
Coding change: c.1482G>A on transcript NM_001042492.3 (MANE Select); coding-DNA position 1482, G replaced by A.
Protein change: p.Leu494=; no amino-acid change (leucine 494 retained).
Molecular consequence: synonymous variant.
Genome position (GRCh38, 1-based): chr17:31,214,540, G>A. VCF-style: chr17-31214540-G-A. GRCh37 (hg19) VCF-style: chr17-29541558-G-A.
Other names: c.1482G>A, p.Leu494= (NM_000267.4, NM_001128147.3).
Identifiers: ClinVar variation 1773603 (VCV001773603.6), dbSNP rs2143959940, ClinGen allele CA499225145.
Genomic context (GRCh38, chr17:31,214,540, plus strand): 5'-CCTTAAATTTAAAGAAAAACCTACAGACCTGGAGACAAGAAGCTATAAGTATCTTCTCTT[G>A]TCCATGGTGAAACTAATTCATGCAGATCCAAAGCTCTTGCTTTGTGTAAGTATTTTTTTA-3'
Protein context (NP_001035957.1, residues 484-504): LETRSYKYLL[Leu494=]SMVKLIHADP